The following is an entry in ClinVar:

ClinVar aggregate classification (germline): Likely benign (1 of 4 stars; one submission).

Allele frequency attached by ClinVar (database versions not stated): 1000 Genomes Project 30x 0.00031; 1000 Genomes Project 0.00040; TOPMed 0.00112; ESP Exome Variant Server 0.00115; gnomAD 0.00143; ExAC 0.00176.
gnomAD v4.1: 2,597 of 1,613,752 alleles (0.16%); highest among the groups gnomAD compares: Middle Eastern, 0.63%; 6 homozygotes.

Submission:

CeGaT Center for Human Genetics Tuebingen
Classification: Likely benign. Last evaluated: 2024-10-01. Review status: criteria provided, single submitter. Criteria: CeGaT Center For Human Genetics Tuebingen Variant Classification Criteria Version 2. Collection method: clinical testing. Allele origin: germline. Affected: yes. Observed: 8 variant alleles.
Comment: ALK: BS2

NM_004304.5(ALK):c.3067+26A>G

Gene: ALK (ALK receptor tyrosine kinase; minus strand). Cytogenetic location: 2p23.2.
Variant type: single nucleotide variant.
Coding change: c.3067+26A>G on transcript NM_004304.5 (MANE Select); 26 bases into the intron after coding-DNA position 3067, A replaced by G.
Molecular consequence: intron variant.
Genome position (GRCh38, 1-based): chr2:29,226,896, T>C on the plus strand (A>G on the coding strand, the complement: ALK is on the minus strand). VCF-style: chr2-29226896-T-C. GRCh37 (hg19) VCF-style: chr2-29449762-T-C.
Identifiers: ClinVar variation 2650801 (VCV002650801.24), dbSNP rs145846569, ClinGen allele CA1594098.